The following is an entry in ClinVar:

NM_002337.4(LRPAP1):c.989G>A (p.Arg330Gln)

Genes: LRPAP1 (LDL receptor related protein associated protein 1; minus strand), LOC126806953 (P300/CBP strongly-dependent group 1 enhancer GRCh37_chr4:3516456-3517655; plus strand). Cytogenetic location: 4p16.3.
Variant type: single nucleotide variant.
Coding change: c.989G>A on transcript NM_002337.4 (MANE Select); coding-DNA position 989, G replaced by A.
Protein change: p.Arg330Gln; replaces arginine 330 with glutamine.
Molecular consequence: missense variant. On other transcripts: non-coding transcript variant (1).
Genome position (GRCh38, 1-based): chr4:3,514,774, C>T on the plus strand (G>A on the coding strand, the complement: LRPAP1 is on the minus strand). VCF-style: chr4-3514774-C-T. GRCh37 (hg19) VCF-style: chr4-3516501-C-T.
Other names: short protein forms R330Q.
Identifiers: ClinVar variation 715598 (VCV000715598.6), dbSNP rs143714310, ClinGen allele CA2829733.
Genomic context (GRCh38, chr4:3,514,774, plus strand): 5'-GGAACTGTGGCCTCCCCGGTCCTGGAACCCGTGCGCACCGTGTAGCCCAGCTCCTTGGTC[C>T]GCCCCTCCAGCAGGGCGTGCTTCTCGCGGCTGCGGCTCACACGCTCGCCGTCGCCCACGC-3'
Protein context (NP_002328.1, residues 320-340): SREKHALLEG[Arg330Gln]TKELGYTVKK

ClinVar aggregate classification (germline): Likely benign. Review status: criteria provided, single submitter (1 of 4 stars). 2 submissions from 2 submitters: Likely benign (1). 1 of the submissions does not count toward it. Last evaluated 2019-12-31.

Conditions:
LRPAP1-related disorder. Also called: LRPAP1-related condition.

Allele frequency attached by ClinVar (database versions not stated): gnomAD exomes 0.00028; ExAC 0.00031; 1000 Genomes Project 0.00060; 1000 Genomes Project 30x 0.00078; gnomAD 0.00098 and 0.00109; ESP Exome Variant Server 0.00108; TOPMed 0.00111.

Submissions (2):

Labcorp Genetics (formerly Invitae), Labcorp
Classification: Likely benign. Last evaluated: 2019-12-31. Review status: criteria provided, single submitter. Criteria: Invitae Variant Classification Sherloc (09022015). Collection method: clinical testing. Allele origin: germline.

PreventionGenetics, part of Exact Sciences
Classification: Likely benign for LRPAP1-related condition. Last evaluated: 2023-09-05. Review status: no assertion criteria provided. Collection method: clinical testing. Allele origin: germline. Not counted in ClinVar's aggregate classification.
Comment: This variant is classified as likely benign based on ACMG/AMP sequence variant interpretation guidelines (Richards et al. 2015 PMID: 25741868, with internal and published modifications).